The following is an entry in ClinVar:

NM_015978.3(TNNI3K):c.2140G>A (p.Glu714Lys)

Genes: FPGT-TNNI3K (FPGT-TNNI3K readthrough; plus strand), LRRC53 (leucine rich repeat containing 53; minus strand), TNNI3K (TNNI3 interacting kinase; plus strand). Cytogenetic location: 1p31.1.
Variant type: single nucleotide variant.
Coding change: c.2140G>A on transcript NM_015978.3 (MANE Select); coding-DNA position 2140, G replaced by A.
Protein change: p.Glu714Lys; replaces glutamic acid 714 with lysine.
Molecular consequence: missense variant. On other transcripts: intron variant (2).
Genome position (GRCh38, 1-based): chr1:74,489,207, G>A. VCF-style: chr1-74489207-G-A. GRCh37 (hg19) VCF-style: chr1-74954891-G-A.
Other names: c.2443G>A, p.Glu815Lys (NM_001112808.3); c.-8-8239C>T (NM_001364666.2); c.-26-5832C>T (NM_001382280.1); short protein forms E714K, E815K.
Identifiers: ClinVar variation 3689555 (VCV003689555.2).

ClinVar aggregate classification (germline): Uncertain significance (1 of 4 stars; one submission).

gnomAD v4.1: 1 of 1,611,358 alleles (0.000062%); highest among the groups gnomAD compares: Non-Finnish European, 0.000085%; no homozygotes.

Submission:

Labcorp Genetics (formerly Invitae), Labcorp
Classification: Uncertain significance. Last evaluated: 2024-10-29. Review status: criteria provided, single submitter. Criteria: Invitae Variant Classification Sherloc (09022015). Collection method: clinical testing. Allele origin: germline.
Comment: This sequence change replaces glutamic acid, which is acidic and polar, with lysine, which is basic and polar, at codon 714 of the TNNI3K protein (p.Glu714Lys). This variant is not present in population databases (gnomAD no frequency). This variant has not been reported in the literature in individuals affected with TNNI3K-related conditions. An algorithm developed to predict the effect of missense changes on protein structure and function (PolyPhen-2) suggests that this variant is likely to be tolerated. In summary, the available evidence is currently insufficient to determine the role of this variant in disease. Therefore, it has been classified as a Variant of Uncertain Significance.